The following is an entry in ClinVar:

ClinVar aggregate classification (germline): Uncertain significance (1 of 4 stars; one submission).

Conditions:
Hereditary cancer-predisposing syndrome. Also called: Tumor predisposition; Neoplastic Syndromes, Hereditary; Hereditary Cancer Syndrome; Hereditary neoplastic syndrome. Identifiers: Orphanet 140162, MedGen C0027672, MeSH D009386, MONDO:0015356.

Submission:

Labcorp Genetics (formerly Invitae), Labcorp
Classification: Uncertain significance for Hereditary cancer-predisposing syndrome. Last evaluated: 2023-04-29. Review status: criteria provided, single submitter. Criteria: Invitae Variant Classification Sherloc (09022015). Collection method: clinical testing. Allele origin: germline.
Comment: In summary, the available evidence is currently insufficient to determine the role of this variant in disease. Therefore, it has been classified as a Variant of Uncertain Significance. Advanced modeling of protein sequence and biophysical properties (such as structural, functional, and spatial information, amino acid conservation, physicochemical variation, residue mobility, and thermodynamic stability) performed at Invitae indicates that this missense variant is not expected to disrupt RAD50 protein function. This variant has not been reported in the literature in individuals affected with RAD50-related conditions. This variant is not present in population databases (gnomAD no frequency). This sequence change replaces aspartic acid, which is acidic and polar, with glycine, which is neutral and non-polar, at codon 967 of the RAD50 protein (p.Asp967Gly).

NM_005732.4(RAD50):c.2900A>G (p.Asp967Gly)

Gene: RAD50 (RAD50 double strand break repair protein; plus strand). Cytogenetic location: 5q31.1.
Variant type: single nucleotide variant.
Coding change: c.2900A>G on transcript NM_005732.4 (MANE Select); coding-DNA position 2900, A replaced by G.
Protein change: p.Asp967Gly; replaces aspartic acid 967 with glycine.
Molecular consequence: missense variant.
Genome position (GRCh38, 1-based): chr5:132,609,187, A>G. VCF-style: chr5-132609187-A-G. GRCh37 (hg19) VCF-style: chr5-131944879-A-G.
Other names: short protein forms D967G.
Identifiers: ClinVar variation 2835400 (VCV002835400.3), dbSNP rs2479371147, ClinGen allele CA360959920.